The following is an entry in ClinVar:

NM_003579.4(RAD54L):c.1546G>A (p.Val516Ile)

Gene: RAD54L (RAD54 like; plus strand). Cytogenetic location: 1p34.1.
Variant type: single nucleotide variant.
Coding change: c.1546G>A on transcript NM_003579.4 (MANE Select); coding-DNA position 1546, G replaced by A.
Protein change: p.Val516Ile; replaces valine 516 with isoleucine.
Molecular consequence: missense variant.
Genome position (GRCh38, 1-based): chr1:46,273,683, G>A. VCF-style: chr1-46273683-G-A. GRCh37 (hg19) VCF-style: chr1-46739355-G-A.
Other names: c.1546G>A, p.Val516Ile (NM_001142548.2); c.1006G>A, p.Val336Ile (NM_001370766.1); short protein forms V336I, V516I.
Identifiers: ClinVar variation 2562806 (VCV002562806.2), dbSNP rs941591208, ClinGen allele CA21897877.

ClinVar aggregate classification (germline): Uncertain significance (1 of 4 stars; one submission).

Allele frequency attached by ClinVar (database versions not stated): gnomAD exomes 0.00001.
gnomAD v4.1: 9 of 1,613,968 alleles (0.00056%); highest among the groups gnomAD compares: East Asian, 0.0022%; no homozygotes.

Submission:

Ambry Genetics
Classification: Uncertain significance. Last evaluated: 2023-05-21. Review status: criteria provided, single submitter. Criteria: Ambry Variant Classification Scheme 2023. Collection method: clinical testing. Allele origin: germline.
Comment: The p.V516I variant (also known as c.1546G>A), located in coding exon 14 of the RAD54L gene, results from a G to A substitution at nucleotide position 1546. The valine at codon 516 is replaced by isoleucine, an amino acid with highly similar properties. This amino acid position is conserved. In addition, the in silico prediction for this alteration is inconclusive. Since supporting evidence is limited at this time, the clinical significance of this alteration remains unclear.